The following is an entry in ClinVar:

NC_000002.11:g.(?_169783656)_(169783882_?)del

Gene: ABCB11 (ATP binding cassette subfamily B member 11; minus strand). Cytogenetic location: 2q31.1.
Variant type: Deletion.
Identifiers: ClinVar variation 2424755 (VCV002424755.3).

ClinVar aggregate classification (germline): Likely pathogenic (1 of 4 stars; one submission).

Submission:

Labcorp Genetics (formerly Invitae), Labcorp
Classification: Likely pathogenic. Last evaluated: 2021-08-04. Review status: criteria provided, single submitter. Criteria: Invitae Variant Classification Sherloc (09022015). Collection method: clinical testing. Allele origin: germline.
Comment: This variant is a gross deletion of the genomic region encompassing exon(s) 26 of the ABCB11 gene. This variant would be expected to be in-frame, preserving the integrity of the reading frame. This variant has not been reported in the literature in individuals affected with ABCB11-related conditions. This variant disrupts the p.Arg1153 amino acid residue in ABCB11. Other variant(s) that disrupt this residue have been determined to be pathogenic (PMID: 12370274, 18395098, 20232290, 26678486, 27050426). This suggests that this residue is clinically significant, and that variants that disrupt this residue are likely to be disease-causing. In summary, the currently available evidence indicates that the variant is pathogenic, but additional data are needed to prove that conclusively. Therefore, this variant has been classified as Likely Pathogenic.

Literature cited by the submitters: PubMed 12370274; PubMed 18395098; PubMed 20232290; PubMed 26678486; PubMed 27050426.